The following is an entry in ClinVar:

ClinVar aggregate classification (germline): Uncertain significance. Review status: criteria provided, multiple submitters, no conflicts (2 of 4 stars). 3 submissions from 3 submitters: Uncertain significance (3). Last evaluated 2025-09-10.

Conditions:
Cardiovascular phenotype. Identifiers: MedGen CN230736.
Glycogen storage disease, type II (IOPD). Also called: GLYCOGENOSIS, GENERALIZED, CARDIAC FORM; GSD II; Pompe Disease; Glycogen storage disease type 2; Acid maltase deficiency disease; Aglucosidase alfa. Identifiers: Orphanet 365, MedGen C0017921, MONDO:0009290, OMIM 232300.

Allele frequency attached by ClinVar (database versions not stated): gnomAD exomes below 0.00001; TOPMed 0.00001.
gnomAD v4.1: 2 of 1,610,684 alleles (0.00012%); highest among the groups gnomAD compares: Admixed American, 0.0017%; no homozygotes.

Submissions (3):

Ambry Genetics
Classification: Uncertain significance for Cardiovascular phenotype. Last evaluated: 2025-09-10. Review status: criteria provided, single submitter. Criteria: Ambry Variant Classification Scheme 2023. Collection method: clinical testing. Allele origin: germline.

Labcorp Genetics (formerly Invitae), Labcorp
Classification: Uncertain significance for Glycogen storage disease, type II. Last evaluated: 2022-03-18. Review status: criteria provided, single submitter. Criteria: Invitae Variant Classification Sherloc (09022015). Collection method: clinical testing. Allele origin: germline.
Comment: This sequence change replaces glutamic acid, which is acidic and polar, with glycine, which is neutral and non-polar, at codon 655 of the GAA protein (p.Glu655Gly). This variant is not present in population databases (gnomAD no frequency). This variant has not been reported in the literature in individuals affected with GAA-related conditions. ClinVar contains an entry for this variant (Variation ID: 596019). Advanced modeling of protein sequence and biophysical properties (such as structural, functional, and spatial information, amino acid conservation, physicochemical variation, residue mobility, and thermodynamic stability) performed at Invitae indicates that this missense variant is expected to disrupt GAA protein function. In summary, the available evidence is currently insufficient to determine the role of this variant in disease. Therefore, it has been classified as a Variant of Uncertain Significance.

Eurofins Ntd Llc (ga)
Classification: Uncertain significance. Last evaluated: 2018-02-13. Review status: criteria provided, single submitter. Criteria: EGL ClinVar v180209 classification definitions. Collection method: clinical testing. Allele origin: germline. Observed: 1 variant allele, 1 heterozygote.

NM_000152.5(GAA):c.1964A>G (p.Glu655Gly)

Gene: GAA (alpha glucosidase; plus strand). Cytogenetic location: 17q25.3.
Variant type: single nucleotide variant.
Coding change: c.1964A>G on transcript NM_000152.5 (MANE Select); coding-DNA position 1964, A replaced by G.
Protein change: p.Glu655Gly; replaces glutamic acid 655 with glycine.
Molecular consequence: missense variant.
Genome position (GRCh38, 1-based): chr17:80,112,951, A>G. VCF-style: chr17-80112951-A-G. GRCh37 (hg19) VCF-style: chr17-78086750-A-G.
Other names: c.1964A>G, p.Glu655Gly (NM_001079803.3, NM_001079804.3); c.1964A>G (NM_000152.3); short protein forms E655G.
Identifiers: ClinVar variation 596019 (VCV000596019.11), dbSNP rs1269689890, ClinGen allele CA401369966.